The following is an entry in ClinVar:

NM_005343.4(HRAS):c.516C>A (p.Asn172Lys)

Genes: HRAS (HRas proto-oncogene, GTPase; minus strand), LRRC56 (leucine rich repeat containing 56; plus strand). Cytogenetic location: 11p15.5.
Variant type: single nucleotide variant.
Coding change: c.516C>A on transcript NM_005343.4 (MANE Select); coding-DNA position 516, C replaced by A.
Protein change: p.Asn172Lys; replaces asparagine 172 with lysine.
Molecular consequence: missense variant. On other transcripts: 3 prime UTR variant (1).
Genome position (GRCh38, 1-based): chr11:532,690, G>T on the plus strand (C>A on the coding strand, the complement: HRAS is on the minus strand). VCF-style: chr11-532690-G-T. GRCh37 (hg19) VCF-style: chr11-532690-G-T.
Other names: c.516C>A, p.Asn172Lys (NM_001130442.3); c.279C>A, p.Asn93Lys (NM_001318054.2); c.*85C>A (NM_176795.5); short protein forms N93K, N172K.
Identifiers: ClinVar variation 2820359 (VCV002820359.3), dbSNP rs765180494, ClinGen allele CA378921078.

ClinVar aggregate classification (germline): Uncertain significance (1 of 4 stars; one submission).

Conditions:
Costello syndrome (CSTLO). Also called: FACIOCUTANEOSKELETAL SYNDROME; FCS SYNDROME; HRAS-Related Costello Syndrome. Identifiers: Orphanet 3071, MedGen C0587248, MONDO:0009026, OMIM 218040.

Submission:

Labcorp Genetics (formerly Invitae), Labcorp
Classification: Uncertain significance for Costello syndrome. Last evaluated: 2022-12-12. Review status: criteria provided, single submitter. Criteria: Invitae Variant Classification Sherloc (09022015). Collection method: clinical testing. Allele origin: germline.
Comment: This sequence change replaces asparagine, which is neutral and polar, with lysine, which is basic and polar, at codon 172 of the HRAS protein (p.Asn172Lys). This variant is not present in population databases (gnomAD no frequency). This variant has not been reported in the literature in individuals affected with HRAS-related conditions. Advanced modeling of protein sequence and biophysical properties (such as structural, functional, and spatial information, amino acid conservation, physicochemical variation, residue mobility, and thermodynamic stability) performed at Invitae indicates that this missense variant is not expected to disrupt HRAS protein function. In summary, the available evidence is currently insufficient to determine the role of this variant in disease. Therefore, it has been classified as a Variant of Uncertain Significance.